The following is an entry in ClinVar:

ClinVar aggregate classification (germline): Likely benign. Review status: criteria provided, multiple submitters, no conflicts (2 of 4 stars). 2 submissions from 2 submitters: Likely benign (2). Last evaluated 2023-12-11.

gnomAD v4.1: 9 of 1,611,894 alleles (0.00056%); highest among the groups gnomAD compares: African/African-American, 0.0067%; no homozygotes.

Submissions (2):

Labcorp Genetics (formerly Invitae), Labcorp
Classification: Likely benign. Last evaluated: 2023-12-11. Review status: criteria provided, single submitter. Criteria: Invitae Variant Classification Sherloc (09022015). Collection method: clinical testing. Allele origin: germline.

CeGaT Center for Human Genetics Tuebingen
Classification: Likely benign. Last evaluated: 2023-03-01. Review status: criteria provided, single submitter. Criteria: CeGaT Center For Human Genetics Tuebingen Variant Classification Criteria Version 2. Collection method: clinical testing. Allele origin: germline. Affected: yes. Observed: 1 variant allele.
Comment: PACS2: PM2:Supporting, BP4, BP7

NM_001100913.3(PACS2):c.1809C>T (p.Gly603=)

Gene: PACS2 (phosphofurin acidic cluster sorting protein 2; plus strand). Cytogenetic location: 14q32.33.
Variant type: single nucleotide variant.
Coding change: c.1809C>T on transcript NM_001100913.3 (MANE Select); coding-DNA position 1809, C replaced by T.
Protein change: p.Gly603=; no amino-acid change (glycine 603 retained).
Molecular consequence: synonymous variant.
Genome position (GRCh38, 1-based): chr14:105,384,381, C>T. VCF-style: chr14-105384381-C-T. GRCh37 (hg19) VCF-style: chr14-105850718-C-T.
Other names: c.1572C>T, p.Gly524= (NM_001243127.3); c.1797C>T, p.Gly599= (NM_015197.4).
Identifiers: ClinVar variation 1665082 (VCV001665082.32), dbSNP rs782505115, ClinGen allele CA266576928.